The following is an entry in ClinVar:

ClinVar aggregate classification (germline): Uncertain significance (1 of 4 stars; one submission).

Conditions:
Familial focal epilepsy with variable foci (FPEVF). Identifiers: Orphanet 98820, MedGen C1858477, MONDO:0020310.

Submission:

Labcorp Genetics (formerly Invitae), Labcorp
Classification: Uncertain significance for Familial focal epilepsy with variable foci. Last evaluated: 2023-03-23. Review status: criteria provided, single submitter. Criteria: Invitae Variant Classification Sherloc (09022015). Collection method: clinical testing. Allele origin: germline.
Comment: This sequence change replaces threonine, which is neutral and polar, with alanine, which is neutral and non-polar, at codon 300 of the DEPDC5 protein (p.Thr300Ala). This variant is not present in population databases (gnomAD no frequency). This variant has not been reported in the literature in individuals affected with DEPDC5-related conditions. ClinVar contains an entry for this variant (Variation ID: 2106108). Experimental studies and prediction algorithms are not available or were not evaluated, and the functional significance of this variant is currently unknown. In summary, the available evidence is currently insufficient to determine the role of this variant in disease. Therefore, it has been classified as a Variant of Uncertain Significance.

NM_001242896.3(DEPDC5):c.898A>G (p.Thr300Ala)

Gene: DEPDC5 (DEP domain containing 5, GATOR1 subcomplex subunit; plus strand). Cytogenetic location: 22q12.2.
Variant type: single nucleotide variant.
Coding change: c.898A>G on transcript NM_001242896.3 (MANE Select); coding-DNA position 898, A replaced by G.
Protein change: p.Thr300Ala; replaces threonine 300 with alanine.
Molecular consequence: missense variant. On other transcripts: non-coding transcript variant (5).
Genome position (GRCh38, 1-based): chr22:31,798,608, A>G. VCF-style: chr22-31798608-A-G. GRCh37 (hg19) VCF-style: chr22-32194594-A-G.
Other names: c.898A>G, p.Thr300Ala (NM_001007188.4, NM_001136029.4, NM_001242897.2 and 7 more transcripts); c.814A>G, p.Thr272Ala (NM_001369901.1, NM_001369902.1); short protein forms T300A, T272A.
Identifiers: ClinVar variation 2106108 (VCV002106108.4), dbSNP rs2518768169, ClinGen allele CA411291624.